The following is an entry in ClinVar:

ClinVar aggregate classification (germline): Conflicting classifications of pathogenicity. Review status: criteria provided, conflicting classifications (1 of 4 stars). 2 submissions from 2 submitters: Likely pathogenic (1); Uncertain significance (1). Last evaluated 2024-06-27.

Conditions:
CFTR-related disorder (CFTR-RD). Also called: CFTR-related disorders; CFTR-related condition. Identifiers: MedGen C5924204, MONDO:7770004.

gnomAD v4.1: 4 of 1,613,954 alleles (0.00025%); highest among the groups gnomAD compares: Non-Finnish European, 0.00034%; no homozygotes.

Submissions (2):

Blueprint Genetics
Classification: Likely pathogenic for CFTR-related disorders. Last evaluated: 2024-06-27. Review status: criteria provided, single submitter. Criteria: ACMG Guidelines, 2015. Collection method: clinical testing. Allele origin: germline. Affected: yes. Observed: 3 variant alleles.

GeneDx
Classification: Uncertain significance. Last evaluated: 2022-01-11. Review status: criteria provided, single submitter. Criteria: GeneDx Variant Classification Process June 2021. Collection method: clinical testing. Allele origin: germline. Affected: yes.
Comment: Not observed at significant frequency in large population cohorts (gnomAD); In silico analysis supports that this missense variant does not alter protein structure/function; Identified in an individual with idiopathic chronic pancreatitis (Audrezet et al., 2008); This variant is associated with the following publications: (PMID: 18687795)

NM_000492.4(CFTR):c.2723C>G (p.Thr908Ser)

Gene: CFTR (CF transmembrane conductance regulator; plus strand). Cytogenetic location: 7q31.2.
Variant type: single nucleotide variant.
Coding change: c.2723C>G on transcript NM_000492.4 (MANE Select); coding-DNA position 2723, C replaced by G.
Protein change: p.Thr908Ser; replaces threonine 908 with serine.
Molecular consequence: missense variant.
Genome position (GRCh38, 1-based): chr7:117,603,597, C>G. VCF-style: chr7-117603597-C-G. GRCh37 (hg19) VCF-style: chr7-117243651-C-G.
Other names: short protein forms T908S.
Identifiers: ClinVar variation 1697071 (VCV001697071.3), dbSNP rs369521395, ClinGen allele CA368986509.